The following is an entry in ClinVar:

NM_001561.6(TNFRSF9):c.205A>G (p.Lys69Glu)

Gene: TNFRSF9 (TNF receptor superfamily member 9; minus strand). Cytogenetic location: 1p36.23.
Variant type: single nucleotide variant.
Coding change: c.205A>G on transcript NM_001561.6 (MANE Select); coding-DNA position 205, A replaced by G.
Protein change: p.Lys69Glu; replaces lysine 69 with glutamic acid.
Molecular consequence: missense variant.
Genome position (GRCh38, 1-based): chr1:7,938,724, T>C on the plus strand (A>G on the coding strand, the complement: TNFRSF9 is on the minus strand). VCF-style: chr1-7938724-T-C. GRCh37 (hg19) VCF-style: chr1-7998784-T-C.
Other names: short protein forms K69E.
Identifiers: ClinVar variation 1478916 (VCV001478916.9), dbSNP rs2151420195, ClinGen allele CA338160616.

ClinVar aggregate classification (germline): Uncertain significance. Review status: criteria provided, multiple submitters, no conflicts (2 of 4 stars). 2 submissions from 2 submitters: Uncertain significance (2). Last evaluated 2022-08-23.

Submissions (2):

Labcorp Genetics (formerly Invitae), Labcorp
Classification: Uncertain significance. Last evaluated: 2022-08-23. Review status: criteria provided, single submitter. Criteria: Invitae Variant Classification Sherloc (09022015). Collection method: clinical testing. Allele origin: germline.
Comment: This sequence change replaces lysine, which is basic and polar, with glutamic acid, which is acidic and polar, at codon 69 of the TNFRSF9 protein (p.Lys69Glu). This variant is not present in population databases (gnomAD no frequency). This variant has not been reported in the literature in individuals affected with TNFRSF9-related conditions. ClinVar contains an entry for this variant (Variation ID: 1478916). Algorithms developed to predict the effect of missense changes on protein structure and function output the following: SIFT: "Tolerated"; PolyPhen-2: "Benign"; Align-GVGD: "Class C0". The glutamic acid amino acid residue is found in multiple mammalian species, which suggests that this missense change does not adversely affect protein function. In summary, the available evidence is currently insufficient to determine the role of this variant in disease. Therefore, it has been classified as a Variant of Uncertain Significance.

Breakthrough Genomics
Classification: Uncertain significance. Review status: criteria provided, single submitter. Criteria: ACMG Guidelines, 2015. Collection method: not provided. Allele origin: germline. Inheritance: Autosomal recessive inheritance. Affected: yes.